The following is an entry in ClinVar:

ClinVar aggregate classification (germline): Uncertain significance (1 of 4 stars; one submission).

Allele frequency attached by ClinVar (database versions not stated): TOPMed below 0.00001; ExAC 0.00001; gnomAD exomes 0.00001 and 0.00002.
gnomAD v4.1: 16 of 1,614,194 alleles (0.00099%); highest among the groups gnomAD compares: East Asian, 0.0022%; no homozygotes.

Submission:

Labcorp Genetics (formerly Invitae), Labcorp
Classification: Uncertain significance. Last evaluated: 2022-07-19. Review status: criteria provided, single submitter. Criteria: Invitae Variant Classification Sherloc (09022015). Collection method: clinical testing. Allele origin: germline.
Comment: This sequence change replaces aspartic acid, which is acidic and polar, with asparagine, which is neutral and polar, at codon 1850 of the MCM3AP protein (p.Asp1850Asn). This variant is present in population databases (rs767394521, gnomAD 0.01%). This variant has not been reported in the literature in individuals affected with MCM3AP-related conditions. ClinVar contains an entry for this variant (Variation ID: 1477685). Algorithms developed to predict the effect of missense changes on protein structure and function are either unavailable or do not agree on the potential impact of this missense change (SIFT: "Deleterious"; PolyPhen-2: "Benign"; Align-GVGD: "Class C0"). In summary, the available evidence is currently insufficient to determine the role of this variant in disease. Therefore, it has been classified as a Variant of Uncertain Significance.

NM_003906.5(MCM3AP):c.5548G>A (p.Asp1850Asn)

Genes: MCM3AP (minichromosome maintenance complex component 3 associated protein; minus strand), MCM3AP-AS1 (MCM3AP antisense RNA 1; plus strand). Cytogenetic location: 21q22.3.
Variant type: single nucleotide variant.
Coding change: c.5548G>A on transcript NM_003906.5 (MANE Select); coding-DNA position 5548, G replaced by A.
Protein change: p.Asp1850Asn; replaces aspartic acid 1850 with asparagine.
Molecular consequence: missense variant. On other transcripts: non-coding transcript variant (4).
Genome position (GRCh38, 1-based): chr21:46,240,896, C>T on the plus strand (G>A on the coding strand, the complement: MCM3AP is on the minus strand). VCF-style: chr21-46240896-C-T. GRCh37 (hg19) VCF-style: chr21-47660810-C-T.
Other names: short protein forms D1850N.
Identifiers: ClinVar variation 1477685 (VCV001477685.5), dbSNP rs767394521, ClinGen allele CA10075818.